The following is an entry in ClinVar:

ClinVar aggregate classification (germline): Uncertain significance (1 of 4 stars; one submission).

Submission:

Labcorp Genetics (formerly Invitae), Labcorp
Classification: Uncertain significance. Last evaluated: 2021-07-31. Review status: criteria provided, single submitter. Criteria: Invitae Variant Classification Sherloc (09022015). Collection method: clinical testing. Allele origin: germline.
Comment: In summary, the available evidence is currently insufficient to determine the role of this variant in disease. Therefore, it has been classified as a Variant of Uncertain Significance. This sequence change replaces aspartic acid with valine at codon 1004 of the CEP250 protein (p.Asp1004Val). The aspartic acid residue is weakly conserved and there is a large physicochemical difference between aspartic acid and valine. This variant is not present in population databases (ExAC no frequency). This variant has not been reported in the literature in individuals affected with CEP250-related conditions. Algorithms developed to predict the effect of missense changes on protein structure and function are either unavailable or do not agree on the potential impact of this missense change (SIFT: "Not Available"; PolyPhen-2: "Benign"; Align-GVGD: "Not Available").

NM_007186.6(CEP250):c.3011A>T (p.Asp1004Val)

Gene: CEP250 (centrosomal protein 250; plus strand). Cytogenetic location: 20q11.22.
Variant type: single nucleotide variant.
Coding change: c.3011A>T on transcript NM_007186.6 (MANE Select); coding-DNA position 3011, A replaced by T.
Protein change: p.Asp1004Val; replaces aspartic acid 1004 with valine.
Molecular consequence: missense variant.
Genome position (GRCh38, 1-based): chr20:35,493,550, A>T. VCF-style: chr20-35493550-A-T. GRCh37 (hg19) VCF-style: chr20-34081377-A-T.
Other names: c.1115A>T, p.Asp372Val (NM_001318219.1); short protein forms D1004V, D372V.
Identifiers: ClinVar variation 1509073 (VCV001509073.6), dbSNP rs2147071095, ClinGen allele CA408741582.